The following is an entry in ClinVar:

ClinVar aggregate classification (germline): Uncertain significance (1 of 4 stars; one submission).

Submission:

Labcorp Genetics (formerly Invitae), Labcorp
Classification: Uncertain significance. Last evaluated: 2025-06-12. Review status: criteria provided, single submitter. Criteria: Invitae Variant Classification Sherloc (09022015). Collection method: clinical testing. Allele origin: germline.
Comment: This sequence change replaces methionine, which is neutral and non-polar, with threonine, which is neutral and polar, at codon 325 of the SAMD9L protein (p.Met325Thr). This variant is not present in population databases (gnomAD no frequency). This variant has not been reported in the literature in individuals affected with SAMD9L-related conditions. ClinVar contains an entry for this variant (Variation ID: 2965035). An algorithm developed to predict the effect of missense changes on protein structure and function (PolyPhen-2) suggests that this variant is likely to be tolerated. In summary, the available evidence is currently insufficient to determine the role of this variant in disease. Therefore, it has been classified as a Variant of Uncertain Significance.

NM_152703.5(SAMD9L):c.974T>C (p.Met325Thr)

Gene: SAMD9L (sterile alpha motif domain containing 9 like; minus strand). Cytogenetic location: 7q21.2.
Variant type: single nucleotide variant.
Coding change: c.974T>C on transcript NM_152703.5 (MANE Select); coding-DNA position 974, T replaced by C.
Protein change: p.Met325Thr; replaces methionine 325 with threonine.
Molecular consequence: missense variant.
Genome position (GRCh38, 1-based): chr7:93,134,998, A>G on the plus strand (T>C on the coding strand, the complement: SAMD9L is on the minus strand). VCF-style: chr7-93134998-A-G. GRCh37 (hg19) VCF-style: chr7-92764311-A-G.
Other names: c.974T>C, p.Met325Thr (NM_001303496.3, NM_001303497.3, NM_001303498.3 and 5 more transcripts); short protein forms M325T.
Identifiers: ClinVar variation 2965035 (VCV002965035.3), dbSNP rs1345320365, ClinGen allele CA368199566.
Genomic context (GRCh38, chr7:93,134,998, plus strand): 5'-TCTCTTACAAACAGTGAAAGATTTTGGTTTTGTTTCCATATTTTATCTTTACAAATTTGC[A>G]TCTGAATGTAGAAATACTTATCATTACATATAGAGTGTTTTGGAATAGTATCAACTTCAA-3'
Protein context (NP_689916.2, residues 315-335): ICNDKYFYIQ[Met325Thr]QICKDKIWKQ